The following is an entry in ClinVar:

NM_002230.4(JUP):c.1318C>T (p.His440Tyr)

Gene: JUP (junction plakoglobin; minus strand). Cytogenetic location: 17q21.2.
Variant type: single nucleotide variant.
Coding change: c.1318C>T on transcript NM_002230.4 (MANE Select); coding-DNA position 1318, C replaced by T.
Protein change: p.His440Tyr; replaces histidine 440 with tyrosine.
Molecular consequence: missense variant.
Genome position (GRCh38, 1-based): chr17:41,763,162, G>A on the plus strand (C>T on the coding strand, the complement: JUP is on the minus strand). VCF-style: chr17-41763162-G-A. GRCh37 (hg19) VCF-style: chr17-39919414-G-A.
Other names: c.1318C>T, p.His440Tyr (NM_001352773.2, NM_001352774.2, NM_001352775.2 and 3 more transcripts); short protein forms H440Y.
Identifiers: ClinVar variation 647192 (VCV000647192.8), dbSNP rs1555602228, ClinGen allele CA399497147.

ClinVar aggregate classification (germline): Uncertain significance (1 of 4 stars; one submission).

Conditions:
Arrhythmogenic right ventricular dysplasia 12. Also called: ARRHYTHMOGENIC RIGHT VENTRICULAR DYSPLASIA, FAMILIAL, 12. Identifiers: MedGen C1969081, MONDO:0012684, OMIM 611528.
Naxos disease (NXD). Also called: CARDIOMYOPATHY, ARRHYTHMOGENIC RIGHT VENTRICULAR, WITH SKIN, HAIR, AND NAIL ABNORMALITIES; WOOLLY HAIR, PALMOPLANTAR KERATODERMA, AND CARDIAC ABNORMALITIES; KERATOSIS PALMOPLANTARIS WITH ARRHYTHMOGENIC CARDIOMYOPATHY; MAL DE NAXOS; PALMOPLANTAR KERATODERMA WITH ARRHYTHMOGENIC RIGHT VENTRICULAR CARDIOMYOPATHY AND WOOLLY HAIR. Identifiers: Orphanet 34217, MedGen C1832600, MONDO:0011017, OMIM 601214.

Allele frequency attached by ClinVar (database versions not stated): gnomAD exomes below 0.00001; gnomAD 0.00001.
gnomAD v4.1: 4 of 1,614,126 alleles (0.00025%); highest among the groups gnomAD compares: East Asian, 0.0089%; no homozygotes.

Submission:

Labcorp Genetics (formerly Invitae), Labcorp
Classification: Uncertain significance for Arrhythmogenic right ventricular dysplasia 12; Naxos disease. Last evaluated: 2018-09-13. Review status: criteria provided, single submitter. Criteria: Invitae Variant Classification Sherloc (09022015). Collection method: clinical testing. Allele origin: germline.
Comment: In summary, the available evidence is currently insufficient to determine the role of this variant in disease. Therefore, it has been classified as a Variant of Uncertain Significance. Algorithms developed to predict the effect of missense changes on protein structure and function are either unavailable or do not agree on the potential impact of this missense change (SIFT: "Tolerated"; PolyPhen-2: "Possibly Damaging"; Align-GVGD: "Class C0"). This variant has not been reported in the literature in individuals with JUP-related disease. This variant is not present in population databases (ExAC no frequency). This sequence change replaces histidine with tyrosine at codon 440 of the JUP protein (p.His440Tyr). The histidine residue is moderately conserved and there is a moderate physicochemical difference between histidine and tyrosine.